The following is an entry in ClinVar:

ClinVar aggregate classification (germline): Uncertain significance (1 of 4 stars; one submission).

Conditions:
Pyogenic arthritis-pyoderma gangrenosum-acne syndrome (PAPA). Also called: FAMILIAL RECURRENT ARTHRITIS; PAPA SYNDROME. Identifiers: Orphanet 69126, MedGen C1858361, MONDO:0011462, OMIM 604416.

Submission:

Labcorp Genetics (formerly Invitae), Labcorp
Classification: Uncertain significance for Pyogenic arthritis-pyoderma gangrenosum-acne syndrome. Last evaluated: 2025-01-08. Review status: criteria provided, single submitter. Criteria: Invitae Variant Classification Sherloc (09022015). Collection method: clinical testing. Allele origin: germline.
Comment: This sequence change falls in intron 5 of the PSTPIP1 gene. It does not directly change the encoded amino acid sequence of the PSTPIP1 protein. This variant is not present in population databases (gnomAD no frequency). This variant has not been reported in the literature in individuals affected with PSTPIP1-related conditions. Algorithms developed to predict the effect of sequence changes on RNA splicing suggest that this variant may disrupt the consensus splice site. In summary, the available evidence is currently insufficient to determine the role of this variant in disease. Therefore, it has been classified as a Variant of Uncertain Significance.

NM_003978.5(PSTPIP1):c.355-10T>C

Gene: PSTPIP1 (proline-serine-threonine phosphatase interacting protein 1; plus strand). Cytogenetic location: 15q24.3.
Variant type: single nucleotide variant.
Coding change: c.355-10T>C on transcript NM_003978.5 (MANE Select); 10 bases into the intron before coding-DNA position 355, T replaced by C.
Molecular consequence: intron variant.
Genome position (GRCh38, 1-based): chr15:77,027,842, T>C. VCF-style: chr15-77027842-T-C. GRCh37 (hg19) VCF-style: chr15-77320183-T-C.
Other names: c.550-10T>C (NM_001321137.1); c.328-10T>C (NM_001321136.2); c.355-10T>C (NM_001321135.2, NM_001411086.1).
Identifiers: ClinVar variation 3728748 (VCV003728748.2).
Genomic context (GRCh38, chr15:77,027,842, plus strand): 5'-TCCGTCCTCTTGGCCTAGGGGAGCCTCCCGAGGCCGCGGCCCTCGGCTCAGAACCTCGTG[T>C]CCCCTGCAGTATGAGGCCGTCATGGACCGGGTCCAGAAGAGCAAGCTGTCGCTCTACAAG-3'